The following is an entry in ClinVar:

NM_013391.3(DMGDH):c.372T>G (p.Gly124=)

Gene: DMGDH (dimethylglycine dehydrogenase; minus strand). Cytogenetic location: 5q14.1.
Variant type: single nucleotide variant.
Coding change: c.372T>G on transcript NM_013391.3 (MANE Select); coding-DNA position 372, T replaced by G.
Protein change: p.Gly124=; no amino-acid change (glycine 124 retained).
Molecular consequence: synonymous variant.
Genome position (GRCh38, 1-based): chr5:79,055,813, A>C on the plus strand (T>G on the coding strand, the complement: DMGDH is on the minus strand). VCF-style: chr5-79055813-A-C. GRCh37 (hg19) VCF-style: chr5-78351636-A-C.
Other names: p.Gly124=.
Identifiers: ClinVar variation 380019 (VCV000380019.3), dbSNP rs2253262, ClinGen allele CA3319009.

ClinVar aggregate classification (germline): Benign. Review status: criteria provided, multiple submitters, no conflicts (2 of 4 stars). 3 submissions from 3 submitters: Benign (3). Last evaluated 2022-03-31.

Allele frequency attached by ClinVar (database versions not stated): gnomAD exomes 0.64346 and 0.63992; 1000 Genomes Project 0.65056; 1000 Genomes Project 30x 0.65178; gnomAD 0.63681 and 0.63570; ExAC 0.64482; ESP Exome Variant Server 0.63031; TOPMed 0.63473.

Submissions (3):

Mayo Clinic Laboratories, Mayo Clinic
Classification: Benign. Last evaluated: 2022-03-31. Review status: criteria provided, single submitter. Criteria: ACMG Guidelines, 2015. Collection method: clinical testing. Allele origin: germline. Observed: 32 variant alleles.

GeneDx
Classification: Benign. Last evaluated: 2015-12-02. Review status: criteria provided, single submitter. Criteria: GeneDx Variant Classification (06012015). Collection method: clinical testing. Allele origin: germline. Affected: yes.
Comment: This variant is considered likely benign or benign based on one or more of the following criteria: it is a conservative change, it occurs at a poorly conserved position in the protein, it is predicted to be benign by multiple in silico algorithms, and/or has population frequency not consistent with disease.

Breakthrough Genomics
Classification: Benign. Review status: criteria provided, single submitter. Criteria: ACMG Guidelines, 2015. Collection method: not provided. Allele origin: germline. Inheritance: Autosomal recessive inheritance. Affected: yes.